The following is an entry in ClinVar:

ClinVar aggregate classification (germline): Benign/Likely benign. Review status: criteria provided, multiple submitters, no conflicts (2 of 4 stars). 3 submissions from 3 submitters: Benign (1); Likely benign (2). Last evaluated 2025-03-01.

Submissions (3):

CeGaT Center for Human Genetics Tuebingen
Classification: Likely benign. Last evaluated: 2025-03-01. Review status: criteria provided, single submitter. Criteria: CeGaT Center For Human Genetics Tuebingen Variant Classification Criteria Version 2. Collection method: clinical testing. Allele origin: germline. Affected: yes. Observed: 3 variant alleles.
Comment: KMT2B: BP4, BP7

Labcorp Genetics (formerly Invitae), Labcorp
Classification: Benign. Last evaluated: 2024-03-21. Review status: criteria provided, single submitter. Criteria: Invitae Variant Classification Sherloc (09022015). Collection method: clinical testing. Allele origin: germline.

Breakthrough Genomics
Classification: Likely benign. Review status: criteria provided, single submitter. Criteria: ACMG Guidelines, 2015. Collection method: not provided. Allele origin: germline. Inheritance: Autosomal dominant inheritance. Affected: yes.

NM_014727.3(KMT2B):c.1299A>C (p.Pro433=)

Gene: KMT2B (lysine methyltransferase 2B; plus strand). Cytogenetic location: 19q13.12.
Variant type: single nucleotide variant.
Coding change: c.1299A>C on transcript NM_014727.3 (MANE Select); coding-DNA position 1299, A replaced by C.
Protein change: p.Pro433=; no amino-acid change (proline 433 retained).
Molecular consequence: synonymous variant.
Genome position (GRCh38, 1-based): chr19:35,720,646, A>C. VCF-style: chr19-35720646-A-C. GRCh37 (hg19) VCF-style: chr19-36211548-A-C.
Identifiers: ClinVar variation 2649733 (VCV002649733.27), dbSNP rs1293818174, ClinGen allele CA507305679.
Genomic context (GRCh38, chr19:35,720,646, plus strand): 5'-TCCTCCACCCCTCCCACCCCCTTCGACATCTCCTCCACCCCCACTCTGCCCTCCACCACC[A>C]CCCCCAGTGTCCCCACCACCTCTACCATCCCCTCCACCGCCTCCTGCCCAAGAGGAGCAG-3'
Protein context (NP_055542.1, residues 423-443): SPPPPLCPPP[Pro433=]PPVSPPPLPS